The following is an entry in ClinVar:

ClinVar aggregate classification (germline): Benign/Likely benign. Review status: criteria provided, multiple submitters, no conflicts (2 of 4 stars). 7 submissions from 6 submitters: Benign (3); Likely benign (3). 1 of the submissions does not count toward it. Last evaluated 2026-02-03.

Conditions:
ACTG1-related disorder. Also called: ACTG1-related condition; ACTG1-related disorders.
Baraitser-winter syndrome 2. Identifiers: Orphanet 2995, MedGen C3281235, MONDO:0013812, OMIM 614583.
Autosomal dominant nonsyndromic hearing loss 20. Identifiers: Orphanet 90635, MedGen C1858172, MONDO:0011480, OMIM 604717.

Allele frequency attached by ClinVar (database versions not stated): gnomAD exomes 0.00002 and 0.00005; ExAC 0.00007; gnomAD 0.00016 and 0.00017; ESP Exome Variant Server 0.00023; TOPMed 0.00029; 1000 Genomes Project 0.00060; 1000 Genomes Project 30x 0.00078.
gnomAD v4.1: 58 of 1,614,070 alleles (0.0036%); highest among the groups gnomAD compares: African/African-American, 0.061%; no homozygotes.

Submissions (7):

Women's Health and Genetics/Laboratory Corporation of America, LabCorp
Classification: Likely benign. Last evaluated: 2026-02-03. Review status: criteria provided, single submitter. Criteria: LabCorp Variant Classification Summary - May 2015. Collection method: clinical testing. Allele origin: germline.

Labcorp Genetics (formerly Invitae), Labcorp
Classification: Likely benign for Baraitser-winter syndrome 2; Autosomal dominant nonsyndromic hearing loss 20. Last evaluated: 2024-10-26. Review status: criteria provided, single submitter. Criteria: Invitae Variant Classification Sherloc (09022015). Collection method: clinical testing. Allele origin: germline.

Blueprint Genetics
Classification: Likely benign. Last evaluated: 2023-11-09. Review status: criteria provided, single submitter. Criteria: ACMG Guidelines, 2015. Collection method: clinical testing. Allele origin: germline.

Genome-Nilou Lab
Classification: Benign for Baraitser-winter syndrome 2. Last evaluated: 2021-12-05. Review status: criteria provided, single submitter. Criteria: ACMG Guidelines, 2015. Collection method: clinical testing. Allele origin: germline. Affected: no.

Genome-Nilou Lab
Classification: Benign for Autosomal dominant nonsyndromic hearing loss 20. Last evaluated: 2021-12-05. Review status: criteria provided, single submitter. Criteria: ACMG Guidelines, 2015. Collection method: clinical testing. Allele origin: germline. Affected: no.

GeneDx
Classification: Benign. Last evaluated: 2019-01-08. Review status: criteria provided, single submitter. Criteria: GeneDx Variant Classification Process June 2021. Collection method: clinical testing. Allele origin: germline. Affected: yes.

PreventionGenetics, part of Exact Sciences
Classification: Likely benign for ACTG1-related condition. Last evaluated: 2021-04-29. Review status: no assertion criteria provided. Collection method: clinical testing. Allele origin: germline. Not counted in ClinVar's aggregate classification.
Comment: This variant is classified as likely benign based on ACMG/AMP sequence variant interpretation guidelines (Richards et al. 2015 PMID: 25741868, with internal and published modifications).

NM_001614.5(ACTG1):c.978G>A (p.Lys326=)

Gene: ACTG1 (actin gamma 1; minus strand). Cytogenetic location: 17q25.3.
Variant type: single nucleotide variant.
Coding change: c.978G>A on transcript NM_001614.5 (MANE Select); coding-DNA position 978, G replaced by A.
Protein change: p.Lys326=; no amino-acid change (lysine 326 retained).
Molecular consequence: synonymous variant. On other transcripts: non-coding transcript variant (1).
Genome position (GRCh38, 1-based): chr17:81,510,933, C>T on the plus strand (G>A on the coding strand, the complement: ACTG1 is on the minus strand). VCF-style: chr17-81510933-C-T. GRCh37 (hg19) VCF-style: chr17-79477959-C-T.
Other names: c.978G>A, p.Lys326= (NM_001199954.3).
Identifiers: ClinVar variation 706492 (VCV000706492.16), dbSNP rs139339869, ClinGen allele CA8835889.